The following is an entry in ClinVar:

NM_001164508.2(NEB):c.19665T>C (p.Ile6555=)

Gene: NEB (nebulin; minus strand). Cytogenetic location: 2q23.3.
Variant type: single nucleotide variant.
Coding change: c.19665T>C on transcript NM_001164508.2 (MANE Select); coding-DNA position 19665, T replaced by C.
Protein change: p.Ile6555=; no amino-acid change (isoleucine 6555 retained).
Molecular consequence: synonymous variant.
Genome position (GRCh38, 1-based): chr2:151,553,464, A>G on the plus strand (T>C on the coding strand, the complement: NEB is on the minus strand). VCF-style: chr2-151553464-A-G. GRCh37 (hg19) VCF-style: chr2-152409978-A-G.
Other names: c.19665T>C, p.Ile6555= (NM_001164507.2, NM_001271208.2); c.14562T>C, p.Ile4854= (NM_004543.5).
Identifiers: ClinVar variation 510424 (VCV000510424.17), dbSNP rs150842230, ClinGen allele CA1907571.

ClinVar aggregate classification (germline): Benign/Likely benign. Review status: criteria provided, multiple submitters, no conflicts (2 of 4 stars). 4 submissions from 4 submitters: Benign (1); Likely benign (2). 1 of the submissions does not count toward it. Last evaluated 2026-01-28.

Conditions:
NEB-related disorder. Also called: NEB-related condition; NEB-Related Disorders.
Nemaline myopathy 2 (NEM2). Also called: Nemaline myopathy 2, autosomal recessive. Identifiers: MedGen C1850569, MONDO:0009725, OMIM 256030.

Allele frequency attached by ClinVar (database versions not stated): gnomAD exomes 0.00012 and 0.00030; ExAC 0.00037; 1000 Genomes Project 0.00120; 1000 Genomes Project 30x 0.00125; gnomAD 0.00138 and 0.00131; TOPMed 0.00129; ESP Exome Variant Server 0.00131.
gnomAD v4.1: 390 of 1,613,770 alleles (0.024%); highest among the groups gnomAD compares: African/African-American, 0.47%; no homozygotes.

Submissions (4):

Labcorp Genetics (formerly Invitae), Labcorp
Classification: Benign for Nemaline myopathy 2. Last evaluated: 2026-01-28. Review status: criteria provided, single submitter. Criteria: Invitae Variant Classification Sherloc (09022015). Collection method: clinical testing. Allele origin: germline.

Blueprint Genetics
Classification: Likely benign. Last evaluated: 2024-11-26. Review status: criteria provided, single submitter. Criteria: ACMG Guidelines, 2015. Collection method: clinical testing. Allele origin: germline.

GeneDx
Classification: Likely benign. Last evaluated: 2018-11-23. Review status: criteria provided, single submitter. Criteria: GeneDx Variant Classification Process June 2021. Collection method: clinical testing. Allele origin: germline. Affected: yes.

PreventionGenetics, part of Exact Sciences
Classification: Likely benign for NEB-related condition. Last evaluated: 2019-05-21. Review status: no assertion criteria provided. Collection method: clinical testing. Allele origin: germline. Not counted in ClinVar's aggregate classification.
Comment: This variant is classified as likely benign based on ACMG/AMP sequence variant interpretation guidelines (Richards et al. 2015 PMID: 25741868, with internal and published modifications).